The following is an entry in ClinVar:

NM_000321.3(RB1):c.1437C>T (p.Asp479=)

Gene: RB1 (RB transcriptional corepressor 1; plus strand). Cytogenetic location: 13q14.2.
Variant type: single nucleotide variant.
Coding change: c.1437C>T on transcript NM_000321.3 (MANE Select); coding-DNA position 1437, C replaced by T.
Protein change: p.Asp479=; no amino-acid change (aspartic acid 479 retained).
Molecular consequence: synonymous variant.
Genome position (GRCh38, 1-based): chr13:48,380,180, C>T. VCF-style: chr13-48380180-C-T. GRCh37 (hg19) VCF-style: chr13-48954316-C-T.
Other names: c.1437C>T, p.Asp479= (NM_001407165.1, NM_001407166.1).
Identifiers: ClinVar variation 2114050 (VCV002114050.4), dbSNP rs2138142808, ClinGen allele CA483559273.
Genomic context (GRCh38, chr13:48,380,180, plus strand): 5'-TTTTATAGAAGTAAGTATTTTATAATCTTTTTTTTTTTCCTTTAGCAAACTTCTGAATGA[C>T]AACATTTTTCATATGTCTTTATTGGCGTGCGCTCTTGAGGTTGTAATGGCCACATATAGC-3'
Protein context (NP_000312.2, residues 469-489): SIQNFSKLLN[Asp479=]NIFHMSLLAC

ClinVar aggregate classification (germline): Uncertain significance (1 of 4 stars; one submission).

Conditions:
Retinoblastoma (RB1). Also called: RETINOBLASTOMA, SOMATIC. Identifiers: Orphanet 790, MedGen C0035335, MeSH D012175, MONDO:0008380, OMIM 180200, HP:0009919. Disease mechanism: loss of function. Inheritance: Both sporadic and heritable forms are tested..

Submission:

Labcorp Genetics (formerly Invitae), Labcorp
Classification: Uncertain significance for Retinoblastoma. Last evaluated: 2022-03-21. Review status: criteria provided, single submitter. Criteria: Invitae Variant Classification Sherloc (09022015). Collection method: clinical testing. Allele origin: germline.
Comment: In summary, the available evidence is currently insufficient to determine the role of this variant in disease. Therefore, it has been classified as a Variant of Uncertain Significance. Algorithms developed to predict the effect of sequence changes on RNA splicing suggest that this variant may disrupt the consensus splice site. This variant has not been reported in the literature in individuals affected with RB1-related conditions. This variant is not present in population databases (gnomAD no frequency). This sequence change affects codon 479 of the RB1 mRNA. It is a 'silent' change, meaning that it does not change the encoded amino acid sequence of the RB1 protein.